The following is an entry in ClinVar:

NM_000152.5(GAA):c.2123A>G (p.His708Arg)

Gene: GAA (alpha glucosidase; plus strand). Cytogenetic location: 17q25.3.
Variant type: single nucleotide variant.
Coding change: c.2123A>G on transcript NM_000152.5 (MANE Select); coding-DNA position 2123, A replaced by G.
Protein change: p.His708Arg; replaces histidine 708 with arginine.
Molecular consequence: missense variant.
Genome position (GRCh38, 1-based): chr17:80,113,300, A>G. VCF-style: chr17-80113300-A-G. GRCh37 (hg19) VCF-style: chr17-78087099-A-G.
Other names: c.2123A>G, p.His708Arg (NM_001079803.3, NM_001079804.3, NM_001406741.1 and 1 more transcripts); short protein forms H708R.
Identifiers: ClinVar variation 3770062 (VCV003770062.1).

ClinVar aggregate classification (germline): Uncertain significance (1 of 4 stars; one submission).

Submission:

GeneDx
Classification: Uncertain significance. Last evaluated: 2024-09-17. Review status: criteria provided, single submitter. Criteria: GeneDx Variant Classification Process June 2021. Collection method: clinical testing. Allele origin: germline. Affected: yes.
Comment: Not observed at significant frequency in large population cohorts (gnomAD); In silico analysis supports that this missense variant has a deleterious effect on protein structure/function; Has not been previously published as pathogenic or benign to our knowledge; This variant is associated with the following publications: (PMID: 19343043, 22253258)